The following is an entry in ClinVar:

ClinVar aggregate classification (germline): Uncertain significance. Review status: criteria provided, multiple submitters, no conflicts (2 of 4 stars). 3 submissions from 3 submitters: Uncertain significance (3). Last evaluated 2025-04-24.

Conditions:
Myopathy with abnormal lipid metabolism. Also called: Lipid storage myopathy due to flavin adenine dinucleotide synthetase deficiency. Identifiers: MedGen C4310822, MONDO:0009703, OMIM 255100.

Allele frequency attached by ClinVar (database versions not stated): gnomAD 0.00011 and 0.00012; ExAC 0.00012; TOPMed 0.00016; gnomAD exomes 0.00015; ESP Exome Variant Server 0.00031.
gnomAD v4.1: 231 of 1,614,036 alleles (0.014%); highest among the groups gnomAD compares: Admixed American, 0.032%; no homozygotes.

Submissions (3):

GeneDx
Classification: Uncertain significance. Last evaluated: 2025-04-24. Review status: criteria provided, single submitter. Criteria: GeneDx Variant Classification Process June 2021. Collection method: clinical testing. Allele origin: germline. Affected: yes.
Comment: In silico analysis supports that this missense variant has a deleterious effect on protein structure/function; Has not been previously published as pathogenic or benign to our knowledge

Labcorp Genetics (formerly Invitae), Labcorp
Classification: Uncertain significance. Last evaluated: 2022-08-19. Review status: criteria provided, single submitter. Criteria: Invitae Variant Classification Sherloc (09022015). Collection method: clinical testing. Allele origin: germline.
Comment: This sequence change replaces cysteine, which is neutral and slightly polar, with serine, which is neutral and polar, at codon 537 of the FLAD1 protein (p.Cys537Ser). This variant is present in population databases (rs143499209, gnomAD 0.03%). This variant has not been reported in the literature in individuals affected with FLAD1-related conditions. ClinVar contains an entry for this variant (Variation ID: 1299478). Algorithms developed to predict the effect of missense changes on protein structure and function are either unavailable or do not agree on the potential impact of this missense change (SIFT: "Deleterious"; PolyPhen-2: "Probably Damaging"; Align-GVGD: "Class C0"). In summary, the available evidence is currently insufficient to determine the role of this variant in disease. Therefore, it has been classified as a Variant of Uncertain Significance.

Breda Genetics srl
Classification: Uncertain significance for Myopathy with abnormal lipid metabolism. Last evaluated: 2021-06-24. Review status: criteria provided, single submitter. Criteria: ACMG Guidelines, 2015. Collection method: clinical testing. Allele origin: germline. Inheritance: Autosomal recessive inheritance. Affected: yes. Observed: 1 variant allele, 1 heterozygote.
Comment: Based on allele frequency, in-silico prediction scores and a certain overlap with the clinical phenotype, we interpreted this variant at least as of uncertain significance. The lack of one or more of the following features has discouraged further investigations: lack of a possible second hit in autosomal recessive conditions, presence of healthy controls in databases for autosomal dominant conditions, presence of unmatching cardinal clinical features in the patient or in the known gene-disease association, and/or variant type outside the known gene mutational spectrum.

NM_025207.5(FLAD1):c.1610G>C (p.Cys537Ser)

Gene: FLAD1 (flavin adenine dinucleotide synthetase 1; plus strand). Cytogenetic location: 1q21.3.
Variant type: single nucleotide variant.
Coding change: c.1610G>C on transcript NM_025207.5 (MANE Select); coding-DNA position 1610, G replaced by C.
Protein change: p.Cys537Ser; replaces cysteine 537 with serine.
Molecular consequence: missense variant.
Genome position (GRCh38, 1-based): chr1:154,992,768, G>C. VCF-style: chr1-154992768-G-C. GRCh37 (hg19) VCF-style: chr1-154965244-G-C.
Other names: c.1319G>C, p.Cys440Ser (NM_001184891.2, NM_201398.3); c.1610G>C (NM_025207.4); short protein forms C440S, C537S.
Identifiers: ClinVar variation 1299478 (VCV001299478.4), dbSNP rs143499209, ClinGen allele CA1134634.